The following is an entry in ClinVar:

ClinVar aggregate classification (germline): Likely pathogenic (1 of 4 stars; one submission).

Conditions:
Hereditary cancer-predisposing syndrome. Also called: Neoplastic Syndromes, Hereditary; Tumor predisposition; Hereditary Cancer Syndrome; Hereditary neoplastic syndrome. Identifiers: Orphanet 140162, MedGen C0027672, MeSH D009386, MONDO:0015356.

Submission:

Ambry Genetics
Classification: Likely pathogenic for Hereditary cancer-predisposing syndrome. Last evaluated: 2025-05-29. Review status: criteria provided, single submitter. Criteria: Ambry Variant Classification Scheme 2023. Collection method: clinical testing. Allele origin: germline.
Comment: The c.1934_2001+52del120 alteration is a deletion of a portion of coding exon 10 of the BARD1 gene and extending 52 nucleotides into intron 10. This results in the deletion of a total of 120 nucleotides, including the last 68 nucleotides of coding exon 10. This deletion is likely to cause a disruption of normal RNA splicing and or a translational frameshift; however, direct evidence is unavailable. Based on the majority of available evidence to date, this variant is likely to be pathogenic.

NM_000465.4(BARD1):c.1934_2001+52del

Gene: BARD1 (BRCA1 associated RING domain 1; minus strand). Cytogenetic location: 2q35.
Variant type: Deletion.
Coding change: c.1934_2001+52del on transcript NM_000465.4 (MANE Select); coding-DNA position 1934 through 52 bases into the intron after coding-DNA position 2001, 120 bases deleted.
Molecular consequence: splice donor variant.
Genome position (GRCh38, 1-based): chr2:214,730,359-214,730,478, 120 bases deleted. GRCh37 (hg19): chr2:215,595,086-215,595,205.
Other names: c.524_591+52del (NM_001282548.2); c.1877_1944+52del (NM_001282543.2); c.581_648+52del (NM_001282545.2); c.395_462+52del (NM_001282549.2).
Identifiers: ClinVar variation 820314 (VCV000820314.5), dbSNP rs1574706516, ClinGen allele CA915941708.